The following is an entry in ClinVar:

ClinVar aggregate classification (germline): Uncertain significance (1 of 4 stars; one submission).

Conditions:
Leigh syndrome (NULS). Also called: Leigh's necrotizing encephalopathy; Leigh's disease; Leigh Syndrome (mtDNA deletion); Leigh Disease; Subacute necrotizing encephalopathy; Necrotizing encephalopathy infantile subacute of Leigh. Identifiers: Orphanet 506, MedGen C2931891, MONDO:0009723, OMIM 256000.

Submission:

Wong Mito Lab, Molecular and Human Genetics, Baylor College of Medicine
Classification: Uncertain significance for Leigh syndrome. Last evaluated: 2019-10-17. Review status: criteria provided, single submitter. Criteria: Modified ACMG Guidelines (Unpublished). Collection method: clinical testing. Allele origin: germline.
Comment: The NC_012920.1:m.9699A>G (YP_003024032.1:p.Ile165Val ) variant in MTCO3 gene is interpretated to be a Uncertain Significance variant based on the modified ACMG guidelines (unpublished). This variant meets the following evidence codes: BP4

NC_012920.1(MT-CO3):m.9699A>G

Gene: MT-CO3 (mitochondrially encoded cytochrome c oxidase III; plus strand).
Variant type: single nucleotide variant.
Genome position: chrM-9699-A-G.
Identifiers: ClinVar variation 693207 (VCV000693207.1), dbSNP rs1603222436, ClinGen allele CA414803514.